The following is an entry in ClinVar:

NM_001365088.1(SLC12A6):c.958G>A (p.Val320Ile)

Gene: SLC12A6 (solute carrier family 12 member 6; minus strand). Cytogenetic location: 15q14.
Variant type: single nucleotide variant.
Coding change: c.958G>A on transcript NM_001365088.1 (MANE Select); coding-DNA position 958, G replaced by A.
Protein change: p.Val320Ile; replaces valine 320 with isoleucine.
Molecular consequence: missense variant.
Genome position (GRCh38, 1-based): chr15:34,254,508, C>T on the plus strand (G>A on the coding strand, the complement: SLC12A6 is on the minus strand). VCF-style: chr15-34254508-C-T. GRCh37 (hg19) VCF-style: chr15-34546709-C-T.
Other names: c.781G>A, p.Val261Ile (NM_001042494.2, NM_001042495.2); c.931G>A, p.Val311Ile (NM_001042496.2); c.913G>A, p.Val305Ile (NM_001042497.2); c.805G>A, p.Val269Ile (NM_005135.2); c.958G>A, p.Val320Ile (NM_133647.2); short protein forms V269I, V320I, V261I, V305I, V311I.
Identifiers: ClinVar variation 246284 (VCV000246284.19), dbSNP rs752427635, ClinGen allele CA7464433.

ClinVar aggregate classification (germline): Uncertain significance. Review status: criteria provided, multiple submitters, no conflicts (2 of 4 stars). 6 submissions from 6 submitters: Uncertain significance (5). 1 of the submissions does not count toward it. Last evaluated 2026-07-17.

Conditions:
Inborn genetic diseases. Identifiers: MedGen C0950123, MeSH D030342.
Agenesis of the corpus callosum with peripheral neuropathy (ACCPN). Also called: POLYNEUROPATHY, SENSORIMOTOR, WITH OR WITHOUT AGENESIS OF THE CORPUS CALLOSUM; Hereditary Motor and Sensory Neuropathy with Agenesis of the Corpus Callosum; CHARLEVOIX DISEASE; HMSN/ACC. Identifiers: Orphanet 1496, MedGen C0795950, MONDO:0000902, OMIM 218000. Disease mechanism: loss of function.

Allele frequency attached by ClinVar (database versions not stated): gnomAD exomes 0.00002 and 0.00006; gnomAD 0.00004 and 0.00003; TOPMed 0.00003; ExAC 0.00002.
gnomAD v4.1: 100 of 1,613,060 alleles (0.0062%); highest among the groups gnomAD compares: Non-Finnish European, 0.0078%; no homozygotes.

Submissions (6):

Ambry Genetics
Classification: Uncertain significance for Inborn genetic diseases. Last evaluated: 2026-07-17. Review status: criteria provided, single submitter. Criteria: Ambry Variant Classification Scheme 2023. Collection method: clinical testing. Allele origin: germline.
Comment: The p.V320I variant (also known as c.958G>A), located in coding exon 8 of the SLC12A6 gene, results from a G to A substitution at nucleotide position 958. The valine at codon 320 is replaced by isoleucine, an amino acid with highly similar properties. This amino acid position is conserved. In addition, the in silico prediction for this alteration is inconclusive. Based on the available evidence, the clinical significance of this variant remains unclear.

Labcorp Genetics (formerly Invitae), Labcorp
Classification: Uncertain significance. Last evaluated: 2024-09-11. Review status: criteria provided, single submitter. Criteria: Invitae Variant Classification Sherloc (09022015). Collection method: clinical testing. Allele origin: germline.
Comment: This sequence change replaces valine, which is neutral and non-polar, with isoleucine, which is neutral and non-polar, at codon 320 of the SLC12A6 protein (p.Val320Ile). This variant is present in population databases (rs752427635, gnomAD 0.008%). This variant has not been reported in the literature in individuals affected with SLC12A6-related conditions. ClinVar contains an entry for this variant (Variation ID: 246284). Invitae Evidence Modeling of protein sequence and biophysical properties (such as structural, functional, and spatial information, amino acid conservation, physicochemical variation, residue mobility, and thermodynamic stability) indicates that this missense variant is not expected to disrupt SLC12A6 protein function with a negative predictive value of 80%. In summary, the available evidence is currently insufficient to determine the role of this variant in disease. Therefore, it has been classified as a Variant of Uncertain Significance.

Genome-Nilou Lab
Classification: Uncertain significance for Agenesis of the corpus callosum with peripheral neuropathy. Last evaluated: 2021-07-15. Review status: criteria provided, single submitter. Criteria: ACMG Guidelines, 2015. Collection method: clinical testing. Allele origin: germline. Affected: no.

Mayo Clinic Laboratories, Mayo Clinic
Classification: Uncertain significance. Last evaluated: 2020-02-24. Review status: criteria provided, single submitter. Criteria: ACMG Guidelines, 2015. Collection method: clinical testing. Allele origin: germline. Observed: 1 variant allele.

GeneDx
Classification: Uncertain significance. Last evaluated: 2015-12-29. Review status: criteria provided, single submitter. Criteria: GeneDx Variant Classification (06012015). Collection method: clinical testing. Allele origin: germline. Affected: yes.
Comment: The V320I variant has not been published as a pathogenic variant, nor has it been reported as a benign variant to our knowledge. It was not observed in approximately 6,500 individuals of European and African American ancestry in the NHLBI Exome Sequencing Project, indicating it is not a common benign variant in these populations. However, the V320I variant is a conservative amino acid substitution, which is not likely to impact secondary protein structure as these residues share similar properties. This substitution occurs at a position where amino acids with similar properties to Valine are tolerated across species. In silico analysis is inconsistent in its predictions as to whether or not the variant is damaging to the protein structure/function. Therefore, based on the currently available information, it is unclear whether this variant is a pathogenic variant or a rare benign variant.

Natera, Inc.
Classification: Uncertain significance for Andermann syndrome. Last evaluated: 2019-11-11. Review status: no assertion criteria provided. Collection method: clinical testing. Allele origin: germline. Not counted in ClinVar's aggregate classification.